The following is an entry in ClinVar:

ClinVar aggregate classification (germline): Likely benign. Review status: criteria provided, multiple submitters, no conflicts (2 of 4 stars). 3 submissions from 3 submitters: Likely benign (3). Last evaluated 2026-03-01.

Conditions:
Brown-Vialetto-van Laere syndrome 2. Also called: SPINOCEREBELLAR ATAXIA WITH BLINDNESS AND DEAFNESS 2; Riboflavin transporter deficiency type 2. Identifiers: Orphanet 572543, Orphanet 97229, MedGen C3553538, MONDO:0013867, OMIM 614707.

Allele frequency attached by ClinVar (database versions not stated): TOPMed 0.00002.

Submissions (3):

CeGaT Center for Human Genetics Tuebingen
Classification: Likely benign. Last evaluated: 2026-03-01. Review status: criteria provided, single submitter. Criteria: CeGaT Center For Human Genetics Tuebingen Variant Classification Criteria Version 2. Collection method: clinical testing. Allele origin: germline. Affected: yes. Observed: 1 variant allele.
Comment: SLC52A2: BP4, BP7

Labcorp Genetics (formerly Invitae), Labcorp
Classification: Likely benign for Brown-Vialetto-van Laere syndrome 2. Last evaluated: 2024-09-23. Review status: criteria provided, single submitter. Criteria: Invitae Variant Classification Sherloc (09022015). Collection method: clinical testing. Allele origin: germline.

Laboratory for Molecular Medicine, Mass General Brigham Personalized Medicine
Classification: Likely benign. Last evaluated: 2017-08-23. Review status: criteria provided, single submitter. Criteria: LMM Criteria. Collection method: clinical testing. Allele origin: germline. Observed: 1 variant allele.
Comment: p.Ala209Ala in exon 3 of SLC52A2: This variant is not expected to have clinical significance because it does not alter an amino acid residue and is not located within the splice consensus sequence. It has been identified in 2/65654 European chromosomes by the Exome Aggregation Consortium (ExAC; dbSNP rs782019841).

NM_001363118.2(SLC52A2):c.627T>G (p.Ala209=)

Gene: SLC52A2 (solute carrier family 52 member 2; plus strand). Cytogenetic location: 8q24.3.
Variant type: single nucleotide variant.
Coding change: c.627T>G on transcript NM_001363118.2 (MANE Select); coding-DNA position 627, T replaced by G.
Protein change: p.Ala209=; no amino-acid change (alanine 209 retained).
Molecular consequence: synonymous variant. On other transcripts: non-coding transcript variant (1).
Genome position (GRCh38, 1-based): chr8:144,360,119, T>G. VCF-style: chr8-144360119-T-G. GRCh37 (hg19) VCF-style: chr8-145583779-T-G.
Other names: c.627T>G, p.Ala209= (NM_001253815.2, NM_001253816.2, NM_001363120.2 and 2 more transcripts); c.135T>G, p.Ala45= (NM_001363122.2).
Identifiers: ClinVar variation 667162 (VCV000667162.10), dbSNP rs782019841, ClinGen allele CA4938245.